The following is an entry in ClinVar:

NM_001142800.2(EYS):c.5038A>G (p.Asn1680Asp)

Gene: EYS (EGF-like photoreceptor maintenance factor; minus strand). Cytogenetic location: 6q12.
Variant type: single nucleotide variant.
Coding change: c.5038A>G on transcript NM_001142800.2 (MANE Select); coding-DNA position 5038, A replaced by G.
Protein change: p.Asn1680Asp; replaces asparagine 1680 with aspartic acid.
Molecular consequence: missense variant.
Genome position (GRCh38, 1-based): chr6:64,590,829, T>C on the plus strand (A>G on the coding strand, the complement: EYS is on the minus strand). VCF-style: chr6-64590829-T-C. GRCh37 (hg19) VCF-style: chr6-65300722-T-C.
Other names: c.5038A>G, p.Asn1680Asp (NM_001292009.2); short protein forms N1680D.
Identifiers: ClinVar variation 1343526 (VCV001343526.4), dbSNP rs540546920, ClinGen allele CA3877039.
Genomic context (GRCh38, chr6:64,590,829, plus strand): 5'-TTAAAATGTTTTCTGATACTGACAGTTCATCAGTAGTCATTTTTGAAGTCAAATCAGAAT[T>C]CATCAAGTCTGAAGAGATAGTTTGTGAAGGGACAATGGATAAACAAGTCTTATCCAAACA-3'
Protein context (NP_001136272.1, residues 1670-1690): PSQTISSDLM[Asn1680Asp]SDLTSKMTTD

ClinVar aggregate classification (germline): Uncertain significance. Review status: criteria provided, multiple submitters, no conflicts (2 of 4 stars). 3 submissions from 3 submitters: Uncertain significance (3). Last evaluated 2026-05-18.

Conditions:
EYS-related disorder. Also called: EYS-related condition.

Allele frequency attached by ClinVar (database versions not stated): TOPMed below 0.00001; gnomAD 0.00005; gnomAD exomes 0.00006 and 0.00013; 1000 Genomes Project 30x 0.00031; ExAC 0.00036; 1000 Genomes Project 0.00040.
gnomAD v4.1: 95 of 1,550,458 alleles (0.0061%); highest among the groups gnomAD compares: South Asian, 0.11%; no homozygotes.

Submissions (3):

Women's Health and Genetics/Laboratory Corporation of America, LabCorp
Classification: Uncertain significance. Last evaluated: 2026-05-18. Review status: criteria provided, single submitter. Criteria: LabCorp Variant Classification Summary - May 2015. Collection method: clinical testing. Allele origin: germline.
Comment: Variant summary: EYS c.5038A>G (p.Asn1680Asp) results in a conservative amino acid change in the encoded protein sequence. Algorithms developed to predict the effect of missense changes on protein structure and function all suggest that this variant is likely to be tolerated. The variant allele was found at a frequency of 0.00013 in 151918 control chromosomes. This frequency is not significantly higher than estimated for disease-causing variants in EYS, allowing no conclusion about variant significance. c.5038A>G has been observed in individual(s) affected with retinitis pigmentosa (e.g. Di_2016). These report(s) do not provide unequivocal conclusions about association of the variant with disease. To our knowledge, no experimental evidence demonstrating an impact on protein function has been reported. The following publication has been ascertained in the context of this evaluation (PMID: 26787102). ClinVar contains an entry for this variant (Variation ID: 1343526). Based on the evidence outlined above, the variant was classified as uncertain significance.

PreventionGenetics, part of Exact Sciences
Classification: Uncertain significance for EYS-related condition. Last evaluated: 2024-10-17. Review status: criteria provided, single submitter. Criteria: ACMG Guidelines, 2015. Collection method: clinical testing. Allele origin: germline.
Comment: The EYS c.5038A>G variant is predicted to result in the amino acid substitution p.Asn1680Asp. This variant was reported in the compound heterozygous state in an individual with retinitis pigmentosa (Di et al. 2016. PubMed ID: 26787102). This variant is reported in 0.084% of alleles in individuals of South Asian descent in gnomAD. At this time, the clinical significance of this variant is uncertain due to the absence of conclusive functional and genetic evidence.

Blueprint Genetics
Classification: Uncertain significance. Last evaluated: 2021-10-14. Review status: criteria provided, single submitter. Criteria: ACMG Guidelines, 2015. Collection method: clinical testing. Allele origin: germline.

Literature cited by the submitters: PubMed 26787102 (cited by Women's Health and Genetics/Laboratory Corporation of America, LabCorp); PubMed 34426522 (cited by Women's Health and Genetics/Laboratory Corporation of America, LabCorp).